The following is an entry in ClinVar:

NM_001045.6(SLC6A4):c.*2389A>G

Gene: SLC6A4 (solute carrier family 6 member 4; minus strand). Cytogenetic location: 17q11.2.
Variant type: single nucleotide variant.
Coding change: c.*2389A>G on transcript NM_001045.6 (MANE Select); 2389 bases downstream of the stop codon, A replaced by G.
Molecular consequence: 3 prime UTR variant.
Genome position (GRCh38, 1-based): chr17:30,196,067, T>C on the plus strand (A>G on the coding strand, the complement: SLC6A4 is on the minus strand). VCF-style: chr17-30196067-T-C. GRCh37 (hg19) VCF-style: chr17-28523085-T-C.
Identifiers: ClinVar variation 891370 (VCV000891370.5), dbSNP rs8066602, ClinGen allele CA14399282.
Genomic context (GRCh38, chr17:30,196,067, plus strand): 5'-GGCGTTTCACTATGTTGGCCAAGCTGGTCTCAAACTCCTGATGTCATGTGATCCTCCCAC[T>C]GCAGCCTCCCAAAGTGCTGGGATTACAGGTGTGAGTCACTGCACCCAGCCTCTTGGGTAT-3'

ClinVar aggregate classification (germline): Benign. Review status: criteria provided, multiple submitters, no conflicts (2 of 4 stars). 2 submissions from 2 submitters: Benign (2). Last evaluated 2018-01-12.

Conditions:
Behavior disorder. Also called: Behavioral disorder. Identifiers: MedGen C0004930.

Allele frequency attached by ClinVar (database versions not stated): gnomAD 0.55681 and 0.55893; TOPMed 0.57464; 1000 Genomes Project 30x 0.63382; 1000 Genomes Project 0.63558.

Submissions (2):

Illumina Laboratory Services, Illumina
Classification: Benign for Behavior disorder. Last evaluated: 2018-01-12. Review status: criteria provided, single submitter. Criteria: ICSL Variant Classification Criteria 13 December 2019. Collection method: clinical testing. Allele origin: germline.
Comment: This variant was observed in the ICSL laboratory as part of a predisposition screen in an ostensibly healthy population. It had not been previously curated by ICSL or reported in the Human Gene Mutation Database (HGMD: prior to June 1st, 2018), and was therefore a candidate for classification through an automated scoring system. Utilizing variant allele frequency, disease prevalence and penetrance estimates, and inheritance mode, an automated score was calculated to assess if this variant is too frequent to cause the disease. Based on the score and internal cut-off values, a variant classified as benign is not then subjected to further curation. The score for this variant resulted in a classification of benign for this disease.

Breakthrough Genomics
Classification: Benign. Review status: criteria provided, single submitter. Criteria: ACMG Guidelines, 2015. Collection method: not provided. Allele origin: germline. Inheritance: Autosomal dominant inheritance. Affected: yes.